The following is an entry in ClinVar:

NM_000512.5(GALNS):c.758+1G>C

Gene: GALNS (galactosamine (N-acetyl)-6-sulfatase; minus strand). Cytogenetic location: 16q24.3.
Variant type: single nucleotide variant.
Coding change: c.758+1G>C on transcript NM_000512.5 (MANE Select); the canonical splice donor site of the intron after coding-DNA position 758, G replaced by C.
Molecular consequence: splice donor variant.
Genome position (GRCh38, 1-based): chr16:88,835,724, C>G on the plus strand (G>C on the coding strand, the complement: GALNS is on the minus strand). VCF-style: chr16-88835724-C-G. GRCh37 (hg19) VCF-style: chr16-88902132-C-G.
Other names: c.203+1G>C (NM_001323543.2); c.776+1G>C (NM_001323544.2).
Identifiers: ClinVar variation 1048294 (VCV001048294.3), dbSNP rs1363382746, ClinGen allele CA397079518.
Genomic context (GRCh38, chr16:88,835,724, plus strand): 5'-CTGGAGTCAAGCACAGCTGGGGCCTCCAGCGAGGTCTATGCTCCATGGAGCCAGGACTCA[C>G]CGCCCTCGCTGACTGGTGCCCAAGAAGGGTTTGGAGGCATAGACGGGTGCGTGCGTGGCG-3'

ClinVar aggregate classification (germline): Pathogenic (1 of 4 stars; one submission).

Conditions:
Mucopolysaccharidosis, MPS-IV-A (MPS4A). Also called: Mucopolysaccharidosis type IV A; Mucopolysaccharidosis Type IVA; Morquio syndrome A, mild; MORQUIO SYNDROME A; MPS IVA; mucopolysaccharidosis type 4A. Identifiers: Orphanet 309297, Orphanet 582, MedGen C0086651, MONDO:0009659, OMIM 253000.

Allele frequency attached by ClinVar (database versions not stated): gnomAD exomes below 0.00001.
gnomAD v4.1: 2 of 1,613,978 alleles (0.00012%); highest among the groups gnomAD compares: Non-Finnish European, 0.00017%; no homozygotes.

Submission:

Laboratory of Diagnosis and Therapy of Lysosomal Disorders, University of Padova
Classification: Pathogenic for Mucopolysaccharidosis, MPS-IV-A. Last evaluated: 2021-02-01. Review status: criteria provided, single submitter. Criteria: ACMG Guidelines, 2015. Collection method: curation. Allele origin: germline. Affected: yes.
Comment: Splicing variant in canonical site (PVS1_very strong); the prevalence of the variant in affected individuals is significantly increased compared with the prevalence in controls (PS4_supporting); very low frequency in gnomAD v2.1.1 (PM2_moderate)

Literature cited by the submitters: PubMed 15235041; PubMed 34387910.